The following is an entry in ClinVar:

ClinVar aggregate classification (germline): Uncertain significance (1 of 4 stars; one submission).

Conditions:
Age related macular degeneration 4. Identifiers: MedGen C1853147, MONDO:0012540, OMIM 610698.

gnomAD v4.1: 7 of 1,611,982 alleles (0.00043%); highest among the groups gnomAD compares: South Asian, 0.0022%; no homozygotes.

Submission:

Genomenon, Inc
Classification: Uncertain significance for Age related macular degeneration 4. Last evaluated: 2026-09-17. Review status: criteria provided, single submitter. Criteria: Genomenon Sequence Variant Interpretation Standards - Updated. Collection method: curation. Allele origin: germline. Affected: yes.
Comment: CFH p.Ile777Val (c.2329A>G) is a missense variant that changes the amino acid at codon 777 from isoleucine to valine. This variant has been observed in at least one proband affected with age-related macular degeneration (PMID: 36246952; 29888403). It is absent or not present at a significant frequency in gnomAD. In silico models predict that this variant is not damaging. In conclusion, we classify CFH p.Ile777Val (c.2329A>G) as a variant of uncertain significance.

Literature cited by the submitters: PubMed 36246952; PubMed 29888403.

NM_000186.4(CFH):c.2329A>G (p.Ile777Val)

Gene: CFH (complement factor H; plus strand). Cytogenetic location: 1q31.3.
Variant type: single nucleotide variant.
Coding change: c.2329A>G on transcript NM_000186.4 (MANE Select); coding-DNA position 2329, A replaced by G.
Protein change: p.Ile777Val; replaces isoleucine 777 with valine.
Molecular consequence: missense variant.
Genome position (GRCh38, 1-based): chr1:196,728,438, A>G. VCF-style: chr1-196728438-A-G. GRCh37 (hg19) VCF-style: chr1-196697568-A-G.
Other names: short protein forms I777V.
Identifiers: ClinVar variation 4291468 (VCV004291468.2).
Genomic context (GRCh38, chr1:196,728,438, plus strand): 5'-AATTTAATTATACTTGAGGAACATTTAAAAAACAAGAAGGAATTCGATCATAATTCTAAC[A>G]TAAGGTACAGATGTAGAGGAAAAGAAGGATGGATACACACAGTCTGCATAAATGGAAGAT-3'
Protein context (NP_000177.2, residues 767-787): NKKEFDHNSN[Ile777Val]RYRCRGKEGW